The following is an entry in ClinVar:

ClinVar aggregate classification (germline): Uncertain significance (1 of 4 stars; one submission).

Submission:

Labcorp Genetics (formerly Invitae), Labcorp
Classification: Uncertain significance. Last evaluated: 2023-07-06. Review status: criteria provided, single submitter. Criteria: Invitae Variant Classification Sherloc (09022015). Collection method: clinical testing. Allele origin: germline.
Comment: In summary, the available evidence is currently insufficient to determine the role of this variant in disease. Therefore, it has been classified as a Variant of Uncertain Significance. Advanced modeling of protein sequence and biophysical properties (such as structural, functional, and spatial information, amino acid conservation, physicochemical variation, residue mobility, and thermodynamic stability) performed at Invitae indicates that this missense variant is not expected to disrupt RTTN protein function. ClinVar contains an entry for this variant (Variation ID: 2134545). This variant has not been reported in the literature in individuals affected with RTTN-related conditions. This variant is present in population databases (no rsID available, gnomAD 0.006%). This sequence change replaces arginine, which is basic and polar, with lysine, which is basic and polar, at codon 1752 of the RTTN protein (p.Arg1752Lys).

NM_173630.4(RTTN):c.5255G>A (p.Arg1752Lys)

Gene: RTTN (rotatin; minus strand). Cytogenetic location: 18q22.2.
Variant type: single nucleotide variant.
Coding change: c.5255G>A on transcript NM_173630.4 (MANE Select); coding-DNA position 5255, G replaced by A.
Protein change: p.Arg1752Lys; replaces arginine 1752 with lysine.
Molecular consequence: missense variant.
Genome position (GRCh38, 1-based): chr18:70,051,479, C>T on the plus strand (G>A on the coding strand, the complement: RTTN is on the minus strand). VCF-style: chr18-70051479-C-T. GRCh37 (hg19) VCF-style: chr18-67718715-C-T.
Other names: c.2519G>A, p.Arg840Lys (NM_001318520.2); short protein forms R840K, R1752K.
Identifiers: ClinVar variation 2134545 (VCV002134545.4), dbSNP rs1342498925, ClinGen allele CA402691525.